The following is an entry in ClinVar:

ClinVar aggregate classification (germline): Uncertain significance. Review status: criteria provided, multiple submitters, no conflicts (2 of 4 stars). 2 submissions from 2 submitters: Uncertain significance (2). Last evaluated 2026-01-26.

Conditions:
Inborn genetic diseases. Identifiers: MedGen C0950123, MeSH D030342.

Allele frequency attached by ClinVar (database versions not stated): gnomAD 0.00001; gnomAD exomes 0.00002; TOPMed 0.00002; ExAC 0.00005; ESP Exome Variant Server 0.00008.
gnomAD v4.1: 26 of 1,451,682 alleles (0.0018%); highest among the groups gnomAD compares: African/African-American, 0.0042%; no homozygotes.

Submissions (2):

Labcorp Genetics (formerly Invitae), Labcorp
Classification: Uncertain significance. Last evaluated: 2026-01-26. Review status: criteria provided, single submitter. Criteria: Invitae Variant Classification Sherloc (09022015). Collection method: clinical testing. Allele origin: germline.
Comment: This sequence change replaces arginine, which is basic and polar, with glutamine, which is neutral and polar, at codon 570 of the GUCY2C protein (p.Arg570Gln). This variant is present in population databases (rs201766969, gnomAD 0.006%). This variant has not been reported in the literature in individuals affected with GUCY2C-related conditions. ClinVar contains an entry for this variant (Variation ID: 2173237). An algorithm developed to predict the effect of missense changes on protein structure and function (PolyPhen-2) suggests that this variant is likely to be disruptive. In summary, the available evidence is currently insufficient to determine the role of this variant in disease. Therefore, it has been classified as a Variant of Uncertain Significance.

Ambry Genetics
Classification: Uncertain significance for Inborn genetic diseases. Last evaluated: 2023-08-21. Review status: criteria provided, single submitter. Criteria: Ambry Variant Classification Scheme 2023. Collection method: clinical testing. Allele origin: germline.

NM_004963.4(GUCY2C):c.1709G>A (p.Arg570Gln)

Gene: GUCY2C (guanylate cyclase 2C; minus strand). Cytogenetic location: 12p12.3.
Variant type: single nucleotide variant.
Coding change: c.1709G>A on transcript NM_004963.4 (MANE Select); coding-DNA position 1709, G replaced by A.
Protein change: p.Arg570Gln; replaces arginine 570 with glutamine.
Molecular consequence: missense variant.
Genome position (GRCh38, 1-based): chr12:14,651,408, C>T on the plus strand (G>A on the coding strand, the complement: GUCY2C is on the minus strand). VCF-style: chr12-14651408-C-T. GRCh37 (hg19) VCF-style: chr12-14804342-C-T.
Other names: c.1709G>A (NM_004963.3); short protein forms R570Q.
Identifiers: ClinVar variation 2173237 (VCV002173237.6), dbSNP rs201766969, ClinGen allele CA6463319.